The following is an entry in ClinVar:

NM_024675.4(PALB2):c.1917G>A (p.Glu639=)

Gene: PALB2 (partner and localizer of BRCA2; minus strand). Cytogenetic location: 16p12.2.
Variant type: single nucleotide variant.
Coding change: c.1917G>A on transcript NM_024675.4 (MANE Select); coding-DNA position 1917, G replaced by A.
Protein change: p.Glu639=; no amino-acid change (glutamic acid 639 retained).
Molecular consequence: synonymous variant.
Genome position (GRCh38, 1-based): chr16:23,630,237, C>T on the plus strand (G>A on the coding strand, the complement: PALB2 is on the minus strand). VCF-style: chr16-23630237-C-T. GRCh37 (hg19) VCF-style: chr16-23641558-C-T.
Identifiers: ClinVar variation 701873 (VCV000701873.12), dbSNP rs1597090787, ClinGen allele CA494461168.

ClinVar aggregate classification (germline): Benign/Likely benign. Review status: criteria provided, multiple submitters, no conflicts (2 of 4 stars). 3 submissions from 3 submitters: Benign (1); Likely benign (2). Last evaluated 2025-01-15.

Conditions:
Hereditary cancer-predisposing syndrome. Also called: Hereditary Cancer Syndrome; Tumor predisposition; Neoplastic Syndromes, Hereditary; Hereditary neoplastic syndrome. Identifiers: Orphanet 140162, MedGen C0027672, MeSH D009386, MONDO:0015356.
Familial cancer of breast. Also called: BREAST CANCER, FAMILIAL; Hereditary breast cancer; hereditary breast carcinoma. Identifiers: Orphanet 227535, MedGen C0346153, MONDO:0016419, OMIM 114480. Disease mechanism: loss of function.

Allele frequency attached by ClinVar (database versions not stated): TOPMed below 0.00001.

Submissions (3):

Myriad Genetics, Inc.
Classification: Benign for Familial cancer of breast. Last evaluated: 2025-01-15. Review status: criteria provided, single submitter. Criteria: Myriad Autosomal Dominant, Autosomal Recessive and X-Linked Classification Criteria (2023). Collection method: clinical testing. Allele origin: unknown.
Comment: This variant is considered benign. This variant is a silent/synonymous amino acid change and it is not expected to impact splicing.

Labcorp Genetics (formerly Invitae), Labcorp
Classification: Likely benign for Familial cancer of breast. Last evaluated: 2023-11-22. Review status: criteria provided, single submitter. Criteria: Invitae Variant Classification Sherloc (09022015). Collection method: clinical testing. Allele origin: germline.

Ambry Genetics
Classification: Likely benign for Hereditary cancer-predisposing syndrome. Last evaluated: 2015-10-15. Review status: criteria provided, single submitter. Criteria: Ambry Variant Classification Scheme 2023. Collection method: clinical testing. Allele origin: germline.